The following is an entry in ClinVar:

NM_003280.3(TNNC1):c.277T>C (p.Ser93Pro)

Gene: TNNC1 (troponin C1, slow skeletal and cardiac type; minus strand). Cytogenetic location: 3p21.1.
Variant type: single nucleotide variant.
Coding change: c.277T>C on transcript NM_003280.3 (MANE Select); coding-DNA position 277, T replaced by C.
Protein change: p.Ser93Pro; replaces serine 93 with proline.
Molecular consequence: missense variant.
Genome position (GRCh38, 1-based): chr3:52,451,784, A>G on the plus strand (T>C on the coding strand, the complement: TNNC1 is on the minus strand). VCF-style: chr3-52451784-A-G. GRCh37 (hg19) VCF-style: chr3-52485800-A-G.
Other names: short protein forms S93P.
Identifiers: ClinVar variation 1310295 (VCV001310295.2), dbSNP rs2153229928, ClinGen allele CA353167189.

ClinVar aggregate classification (germline): Uncertain significance (1 of 4 stars; one submission).

gnomAD v4.1: 2 of 1,614,024 alleles (0.00012%); highest among the groups gnomAD compares: African/African-American, 0.0027%; no homozygotes.

Submission:

GeneDx
Classification: Uncertain significance. Last evaluated: 2019-11-07. Review status: criteria provided, single submitter. Criteria: GeneDx Variant Classification Process June 2021. Collection method: clinical testing. Allele origin: germline. Affected: yes.
Comment: Has not been previously published as pathogenic or benign to our knowledge; Not observed in large population cohorts (Lek et al., 2016); In silico analysis, which includes protein predictors and evolutionary conservation, supports a deleterious effect